The following is an entry in ClinVar:

ClinVar aggregate classification (germline): Uncertain significance (1 of 4 stars; one submission).

Conditions:
Farber lipogranulomatosis (FRBRL). Also called: AC DEFICIENCY; ACID CERAMIDASE DEFICIENCY; CERAMIDASE DEFICIENCY; N-LAURYLSPHINGOSINE DEACYLASE DEFICIENCY; Farber's lipogranulomatosis; Farber's disease. Identifiers: Orphanet 333, MedGen C0268255, MONDO:0009218, OMIM 228000.

Submission:

Medical Affairs, Dicerna Pharmaceuticals
Classification: Uncertain significance for Farber lipogranulomatosis. Last evaluated: 2019-06-18. Review status: criteria provided, single submitter. Criteria: ACMG Guidelines, 2015. Collection method: literature only. Allele origin: unknown. Inheritance: Autosomal recessive inheritance. Affected: yes. Observed: 1 variant allele.
Comment: Variant of uncertain significance is appropriate for variant, Q22H (c.66G>C). There is no further clinical description or functional characterization of this variant.

Literature cited by the submitters: DOI 10.1006/mgme.2000.3029.

NM_177924.5(ASAH1):c.66G>C (p.Gln22His)

Gene: ASAH1 (N-acylsphingosine amidohydrolase 1; minus strand). Cytogenetic location: 8p22.
Variant type: single nucleotide variant.
Coding change: c.66G>C on transcript NM_177924.5 (MANE Select); coding-DNA position 66, G replaced by C.
Protein change: p.Gln22His; replaces glutamine 22 with histidine.
Molecular consequence: missense variant. On other transcripts: intron variant (2).
Genome position (GRCh38, 1-based): chr8:18,083,993, C>G on the plus strand (G>C on the coding strand, the complement: ASAH1 is on the minus strand). VCF-style: chr8-18083993-C-G. GRCh37 (hg19) VCF-style: chr8-17941502-C-G.
Other names: c.126+683G>C (NM_004315.6, NM_001127505.3); short protein forms Q22H.
Identifiers: ClinVar variation 812469 (VCV000812469.1), dbSNP rs1589012017, ClinGen allele CA370435723.